The following is an entry in ClinVar:

NM_000245.4(MET):c.3916G>A (p.Glu1306Lys)

Gene: MET (MET proto-oncogene, receptor tyrosine kinase; plus strand). Cytogenetic location: 7q31.2.
Variant type: single nucleotide variant.
Coding change: c.3916G>A on transcript NM_000245.4 (MANE Select); coding-DNA position 3916, G replaced by A.
Protein change: p.Glu1306Lys; replaces glutamic acid 1306 with lysine.
Molecular consequence: missense variant.
Genome position (GRCh38, 1-based): chr7:116,795,772, G>A. VCF-style: chr7-116795772-G-A. GRCh37 (hg19) VCF-style: chr7-116435826-G-A.
Other names: c.3970G>A (LRG_662t1); c.3970G>A, p.Glu1324Lys (NM_001127500.3); c.2626G>A, p.Glu876Lys (NM_001324402.2); short protein forms E1324K, E1306K, E876K.
Identifiers: ClinVar variation 485777 (VCV000485777.15), dbSNP rs1436537175, ClinGen allele CA369117978.

ClinVar aggregate classification (germline): Uncertain significance. Review status: criteria provided, multiple submitters, no conflicts (2 of 4 stars). 2 submissions from 2 submitters: Uncertain significance (2). Last evaluated 2026-01-16.

Conditions:
Renal cell carcinoma. Identifiers: Orphanet 217071, MedGen C0007134, MeSH D002292, MONDO:0005086, HP:0005584.
Hereditary cancer-predisposing syndrome. Also called: Tumor predisposition; Hereditary Cancer Syndrome; Hereditary neoplastic syndrome; Neoplastic Syndromes, Hereditary. Identifiers: Orphanet 140162, MedGen C0027672, MeSH D009386, MONDO:0015356.

Allele frequency attached by ClinVar (database versions not stated): gnomAD exomes below 0.00001 and 0.00001; TOPMed below 0.00001; gnomAD 0.00001.
gnomAD v4.1: 6 of 1,614,022 alleles (0.00037%); highest among the groups gnomAD compares: Admixed American, 0.0033%; no homozygotes.

Submissions (2):

Labcorp Genetics (formerly Invitae), Labcorp
Classification: Uncertain significance for Renal cell carcinoma. Last evaluated: 2026-01-16. Review status: criteria provided, single submitter. Criteria: Invitae Variant Classification Sherloc (09022015). Collection method: clinical testing. Allele origin: germline.
Comment: This sequence change replaces glutamic acid, which is acidic and polar, with lysine, which is basic and polar, at codon 1324 of the MET protein (p.Glu1324Lys). This variant is present in population databases (no rsID available, gnomAD 0.006%). This variant has not been reported in the literature in individuals affected with MET-related conditions. ClinVar contains an entry for this variant (Variation ID: 485777). Invitae Evidence Modeling of protein sequence and biophysical properties (such as structural, functional, and spatial information, amino acid conservation, physicochemical variation, residue mobility, and thermodynamic stability) indicates that this missense variant is expected to disrupt MET protein function with a positive predictive value of 80%. In summary, the available evidence is currently insufficient to determine the role of this variant in disease. Therefore, it has been classified as a Variant of Uncertain Significance.

Ambry Genetics
Classification: Uncertain significance for Hereditary cancer-predisposing syndrome. Last evaluated: 2024-10-21. Review status: criteria provided, single submitter. Criteria: Ambry Variant Classification Scheme 2023. Collection method: clinical testing. Allele origin: germline.
Comment: The p.E1324K variant (also known as c.3970G>A), located in coding exon 19 of the MET gene, results from a G to A substitution at nucleotide position 3970. The glutamic acid at codon 1324 is replaced by lysine, an amino acid with similar properties. This amino acid position is highly conserved in available vertebrate species. In addition, the in silico prediction for this alteration is inconclusive. Based on the available evidence, the clinical significance of this variant remains unclear.